The following is an entry in ClinVar:

NM_001013836.2(MAD1L1):c.175C>T (p.Arg59Cys)

Gene: MAD1L1 (mitotic arrest deficient 1 like 1; minus strand). Cytogenetic location: 7p22.3.
Variant type: single nucleotide variant.
Coding change: c.175C>T on transcript NM_001013836.2 (MANE Select); coding-DNA position 175, C replaced by T.
Protein change: p.Arg59Cys; replaces arginine 59 with cysteine.
Molecular consequence: missense variant. On other transcripts: intron variant (1).
Genome position (GRCh38, 1-based): chr7:2,225,526, G>A on the plus strand (C>T on the coding strand, the complement: MAD1L1 is on the minus strand). VCF-style: chr7-2225526-G-A. GRCh37 (hg19) VCF-style: chr7-2265161-G-A.
Other names: c.175C>T, p.Arg59Cys (NM_001013837.2, NM_001304523.2, NM_003550.3); c.-124-2772C>T (NM_001304524.2); short protein forms R59C.
Identifiers: ClinVar variation 6920 (VCV000006920.9), dbSNP rs121908982, ClinGen allele CA118558.

ClinVar aggregate classification (germline): Benign/Likely benign. Review status: criteria provided, multiple submitters, no conflicts (2 of 4 stars). 3 submissions from 3 submitters: Benign (1); Likely benign (1). 1 of the submissions does not count toward it. Last evaluated 2026-08-01.

Conditions:
Prostate cancer. Also called: Malignant tumor of prostate. Identifiers: Orphanet 1331, MedGen C0376358, MONDO:0008315, HP:0012125.
Prostate cancer, somatic. Identifiers: MedGen C4015779.

Allele frequency attached by ClinVar (database versions not stated): ESP Exome Variant Server 0.00395; gnomAD exomes 0.00466 and 0.00308; 1000 Genomes Project 0.00060; TOPMed 0.00265; gnomAD 0.00299 and 0.00314; ExAC 0.00353.
gnomAD v4.1: 7,176 of 1,613,878 alleles (0.44%); highest among the groups gnomAD compares: Non-Finnish European, 0.57%; 23 homozygotes.

Submissions (3):

CeGaT Center for Human Genetics Tuebingen
Classification: Likely benign. Last evaluated: 2026-08-01. Review status: criteria provided, single submitter. Criteria: CeGaT Center For Human Genetics Tuebingen Variant Classification Criteria Version 2. Collection method: clinical testing. Allele origin: germline. Affected: yes. Observed: 2 variant alleles.
Comment: MAD1L1: BP4

Mendelics
Classification: Benign for Familial prostate cancer. Last evaluated: 2024-01-23. Review status: criteria provided, single submitter. Criteria: ACMG Guidelines, 2015. Collection method: clinical testing. Allele origin: unknown.

OMIM
Classification: Pathogenic for PROSTATE CANCER, SOMATIC. Last evaluated: 2001-05-31. Review status: no assertion criteria provided. Collection method: literature only. Allele origin: somatic. Not counted in ClinVar's aggregate classification.

Literature cited by the submitters: PubMed 11423979 (cited by OMIM).